The following is an entry in ClinVar:

NM_024577.4(SH3TC2):c.1764C>T (p.Gly588=)

Gene: SH3TC2 (SH3 domain and tetratricopeptide repeats 2; minus strand). Cytogenetic location: 5q32.
Variant type: single nucleotide variant.
Coding change: c.1764C>T on transcript NM_024577.4 (MANE Select); coding-DNA position 1764, C replaced by T.
Protein change: p.Gly588=; no amino-acid change (glycine 588 retained).
Molecular consequence: synonymous variant.
Genome position (GRCh38, 1-based): chr5:149,027,968, G>A on the plus strand (C>T on the coding strand, the complement: SH3TC2 is on the minus strand). VCF-style: chr5-149027968-G-A. GRCh37 (hg19) VCF-style: chr5-148407531-G-A.
Identifiers: ClinVar variation 385213 (VCV000385213.3), dbSNP rs776029143, ClinGen allele CA3499131.

ClinVar aggregate classification (germline): Likely benign. Review status: criteria provided, multiple submitters, no conflicts (2 of 4 stars). 2 submissions from 2 submitters: Likely benign (2). Last evaluated 2019-07-11.

Conditions:
Inborn genetic diseases. Identifiers: MedGen C0950123, MeSH D030342.

Allele frequency attached by ClinVar (database versions not stated): gnomAD exomes 0.00001 and 0.00002; ExAC 0.00003.
gnomAD v4.1: 17 of 1,614,194 alleles (0.0011%); highest among the groups gnomAD compares: Non-Finnish European, 0.0014%; no homozygotes.

Submissions (2):

Ambry Genetics
Classification: Likely benign for Inborn genetic diseases. Last evaluated: 2019-07-11. Review status: criteria provided, single submitter. Criteria: Ambry Variant Classification Scheme 2023. Collection method: clinical testing. Allele origin: germline.

GeneDx
Classification: Likely benign. Last evaluated: 2016-04-07. Review status: criteria provided, single submitter. Criteria: GeneDx Variant Classification (06012015). Collection method: clinical testing. Allele origin: germline. Affected: yes.
Comment: This variant is considered likely benign or benign based on one or more of the following criteria: it is a conservative change, it occurs at a poorly conserved position in the protein, it is predicted to be benign by multiple in silico algorithms, and/or has population frequency not consistent with disease.